The following is an entry in ClinVar:

ClinVar aggregate classification (germline): Pathogenic. Review status: criteria provided, multiple submitters, no conflicts (2 of 4 stars). 16 submissions from 16 submitters: Pathogenic (14). 2 of the submissions do not count toward it. Last evaluated 2026-07-13.

Conditions:
SLC12A3-related disorder. Also called: SLC12A3-related condition.
Familial hypokalemia-hypomagnesemia (GTLMNS). Also called: POTASSIUM AND MAGNESIUM DEPLETION; HYPOMAGNESEMIA-HYPOKALEMIA, PRIMARY RENOTUBULAR, WITH HYPOCALCIURIA; gitelman syndrome. Identifiers: Orphanet 358, MedGen C0268450, MONDO:0009904, OMIM 263800.

Allele frequency attached by ClinVar (database versions not stated): gnomAD 0.00003 and 0.00004; gnomAD exomes 0.00003 and 0.00006; TOPMed 0.00003; ExAC 0.00007.
gnomAD v4.1: 51 of 1,614,094 alleles (0.0032%); highest among the groups gnomAD compares: East Asian, 0.047%; no homozygotes.

Submissions 1 to 11 of 16:

PreventionGenetics, part of Exact Sciences
Classification: Pathogenic for SLC12A3-related condition. Last evaluated: 2026-07-13. Review status: criteria provided, single submitter. Criteria: ACMG Guidelines, 2015. Collection method: clinical testing. Allele origin: germline.
Comment: The SLC12A3 c.179C>T variant is predicted to result in the amino acid substitution p.Thr60Met. This variant has been reported many times in either the compound heterozygous or homozygous state in individuals with Gitelman syndrome (see, for examples: reported as c.185C>T in Maki et al. 2004. PubMed ID: 15069170; Zeng et al. 2019. PubMed ID: 31398183). A functional study using expression of SLC12A3 in a cell model found that the p.Thr60Met variant significantly reduced the sodium uptake activity of the protein (Figure 3 in Miao et al. 2009. PubMed ID: 19451210). This variant is reported in 0.075% of alleles in individuals of East Asian descent in gnomAD. This variant has been classified as pathogenic in Clinvar. Given the evidence, this variant is interpreted as pathogenic.

Natera, Inc.
Classification: Pathogenic for Gitelman syndrome. Last evaluated: 2025-11-25. Review status: criteria provided, single submitter. Criteria: Natera Variant Classification Schema (03/2026). Collection method: clinical testing. Allele origin: germline.
Comment: The c.179C>T variant in SLC12A3 is a missense variant predicted to cause substitution of threonine to methionine at amino acid 60. This variant is rare in the general population with a frequency below the threshold expected for the associated phenotype(s). This variant has been observed in one or more individuals affected with the associated recessive disease, as either homozygous or compound heterozygous with a second variant (PMID: 35434103, 34348722). Additionally, this variant has been observed to segregate in affected family members (PMID: 35434103). Computational prediction algorithms indicate this variant is likely to affect gene or protein function. Given the available evidence, this variant is classified as Pathogenic.

Labcorp Genetics (formerly Invitae), Labcorp
Classification: Pathogenic. Last evaluated: 2025-07-31. Review status: criteria provided, single submitter. Criteria: Invitae Variant Classification Sherloc (09022015). Collection method: clinical testing. Allele origin: germline.
Comment: This sequence change replaces threonine, which is neutral and polar, with methionine, which is neutral and non-polar, at codon 60 of the SLC12A3 protein (p.Thr60Met). This variant is present in population databases (rs371443644, gnomAD 0.08%). This missense change has been observed in individual(s) with Gitelman syndrome (PMID: 19207868, 19451210, 24776766, 27453715). In at least one individual the data is consistent with being in trans (on the opposite chromosome) from a pathogenic variant. This variant is also known as c.185C>T (p.T60M). ClinVar contains an entry for this variant (Variation ID: 101514). Invitae Evidence Modeling of protein sequence and biophysical properties (such as structural, functional, and spatial information, amino acid conservation, physicochemical variation, residue mobility, and thermodynamic stability) indicates that this missense variant is expected to disrupt SLC12A3 protein function with a positive predictive value of 95%. Experimental studies have shown that this missense change affects SLC12A3 function (PMID: 19451210, 23833262). For these reasons, this variant has been classified as Pathogenic.

3billion
Classification: Pathogenic for Familial hypokalemia-hypomagnesemia. Last evaluated: 2025-07-08. Review status: criteria provided, single submitter. Criteria: ACMG Guidelines, 2015. Collection method: clinical testing. Allele origin: germline. Affected: yes.
Comment: The variant is observed at an extremely low frequency in the gnomAD v4.1.0 dataset (total allele frequency: 0.003%). Predicted Consequence/Location: Missense variant In silico tool predictions suggest damaging effect of the variant on gene or gene product [REVEL: 0.90 (>=0.6, sensitivity 0.68 and specificity 0.92); 3Cnet: 0.96 (> 0.75, sensitivity 0.96 and precision 0.92)]. The same nucleotide change resulting in the same amino acid change has been previously reported as pathogenic/likely pathogenic with strong evidence (ClinVar ID: VCV000101514 /PMID: 15069170 /3billion dataset). The variant has been reported to be in trans with a pathogenic variant as either compound heterozygous or homozygous in at least one similarly affected unrelated individual (PMID: 15069170). A different missense change at the same codon (p.Thr60Ala) has been reported to be associated with SLC12A3-related disorder (PMID: 30596175). Therefore, this variant is classified as Pathogenic according to the recommendation of ACMG/AMP guideline.

Victorian Clinical Genetics Services, Murdoch Childrens Research Institute
Classification: Pathogenic for Familial hypokalemia-hypomagnesemia. Last evaluated: 2025-04-14. Review status: criteria provided, single submitter. Criteria: ACMG Guidelines, 2015. Collection method: clinical testing. Allele origin: germline. Affected: yes.
Comment: This variant is classified as Pathogenic. Evidence in support of pathogenic classification: Variant is present in gnomAD <0.01 for a recessive condition (v4: 51 heterozygote(s), 0 homozygote(s)); This variant has strong previous evidence of pathogenicity in unrelated individuals. This variant has been classified as pathogenic by multiple clinical laboratories in ClinVar, and is reported in the literature in multiple unrelated individuals with Gitelman syndrome (PMID: 22934535); Missense variant predicted to be damaging by in silico tool(s) or highly conserved with a major amino acid change. Additional information: Variant is predicted to result in a missense amino acid change from threonine to methionine; This variant is heterozygous; This gene is associated with autosomal recessive disease; Variant is located in an annotated domain or motif (AA permease N-terminal domain) (DECIPHER); Loss of function is a known mechanism of disease in this gene and is associated with Gitelman syndrome (MIM#263800); Inheritance information for this variant is not currently available in this individual.

Blueprint Genetics
Classification: Pathogenic for SLC12A3-related disorders. Last evaluated: 2024-09-17. Review status: criteria provided, single submitter. Criteria: ACMG Guidelines, 2015. Collection method: clinical testing. Allele origin: de novo. Affected: yes. Observed: 3 variant alleles.

Fulgent Genetics
Classification: Pathogenic for Familial hypokalemia-hypomagnesemia. Last evaluated: 2024-01-06. Review status: criteria provided, single submitter. Criteria: ACMG Guidelines, 2015. Collection method: clinical testing. Allele origin: germline.

Greenwood Genetic Center Diagnostic Laboratories, Greenwood Genetic Center
Classification: Pathogenic for Familial hypokalemia-hypomagnesemia. Last evaluated: 2023-08-25. Review status: criteria provided, single submitter. Criteria: ACMG Guidelines, 2015. Collection method: clinical testing. Allele origin: germline. Affected: yes.
Comment: PS3, PM2, PM3_Strong, PP3

European Hospital Georges Pompidou Genetics Department, Assistance Publique - Hôpitaux de Paris AP-HP
Classification: Pathogenic for Familial hypokalemia-hypomagnesemia. Last evaluated: 2022-04-27. Review status: criteria provided, single submitter. Criteria: ACMG Guidelines, 2015. Collection method: clinical testing. Allele origin: germline. Affected: yes.
Comment: ACMG criteria used:PS3, PS4, PM2, PP3, PP5

GeneDx
Classification: Pathogenic. Last evaluated: 2022-04-27. Review status: criteria provided, single submitter. Criteria: GeneDx Variant Classification Process June 2021. Collection method: clinical testing. Allele origin: germline. Affected: yes.
Comment: Reported multiple times in the homozygous or compound heterozygous state in unrelated patients with Gitelman syndrome (Maki et al., 2004; Lin et al., 2004; Lin et al., 2005; Shao et al., 2008a; Shao et al. 2008b; Qin et al., 2009; Miao et al., 2009; Jiang et al., 2014; Yang et al., 2013); Published functional studies demonstrate p.(T60M) results in nearly complete loss of intrinsic transporter activity (Miao et al., 2009); In silico analysis supports that this missense variant has a deleterious effect on protein structure/function; This variant is associated with the following publications: (PMID: 23833262, 25990047, 19207868, 27173320, 29093260, 30596175, 24776766, 27453715, 26825084, 27216017, 27454426, 18580052, 30413979, 31672324, 31398183, 33024574, 32884933, 33163079, 34348722, 27535533, 33735743, 22627394, 19451210, 15069170)

Genome-Nilou Lab
Classification: Pathogenic for Familial hypokalemia-hypomagnesemia. Last evaluated: 2021-07-15. Review status: criteria provided, single submitter. Criteria: ACMG Guidelines, 2015. Collection method: clinical testing. Allele origin: germline. Affected: no.

NM_001126108.2(SLC12A3):c.179C>T (p.Thr60Met)

Gene: SLC12A3 (solute carrier family 12 member 3; plus strand). Cytogenetic location: 16q13.
Variant type: single nucleotide variant.
Coding change: c.179C>T on transcript NM_001126108.2 (MANE Select); coding-DNA position 179, C replaced by T.
Protein change: p.Thr60Met; replaces threonine 60 with methionine.
Molecular consequence: missense variant.
Genome position (GRCh38, 1-based): chr16:56,865,414, C>T. VCF-style: chr16-56865414-C-T. GRCh37 (hg19) VCF-style: chr16-56899326-C-T.
Other names: c.179C>T, p.Thr60Met (NM_000339.3, NM_001126107.2); short protein forms T60M.
Identifiers: ClinVar variation 101514 (VCV000101514.36), dbSNP rs371443644, ClinGen allele CA150734.